The following is an entry in ClinVar:

ClinVar aggregate classification (germline): Pathogenic (1 of 4 stars; one submission).

Submission:

Labcorp Genetics (formerly Invitae), Labcorp
Classification: Pathogenic. Last evaluated: 2022-09-12. Review status: criteria provided, single submitter. Criteria: Invitae Variant Classification Sherloc (09022015). Collection method: clinical testing. Allele origin: germline.
Comment: For these reasons, this variant has been classified as Pathogenic. Algorithms developed to predict the effect of sequence changes on RNA splicing suggest that this variant may disrupt the consensus splice site. This variant has not been reported in the literature in individuals affected with IARS-related conditions. This variant is present in population databases (no rsID available, gnomAD 0.003%). This sequence change creates a premature translational stop signal (p.Tyr734*) in the IARS gene. It is expected to result in an absent or disrupted protein product. Loss-of-function variants in IARS are known to be pathogenic (PMID: 27426735, 27891590).

Literature cited by the submitters: PubMed 27426735; PubMed 27891590.

NM_002161.6(IARS1):c.2202T>A (p.Tyr734Ter)

Gene: IARS1 (isoleucyl-tRNA synthetase 1; minus strand). Cytogenetic location: 9q22.31.
Variant type: single nucleotide variant.
Coding change: c.2202T>A on transcript NM_002161.6 (MANE Select); coding-DNA position 2202, T replaced by A.
Protein change: p.Tyr734Ter; replaces tyrosine 734 with a stop codon.
Molecular consequence: nonsense. On other transcripts: non-coding transcript variant (1), intron variant (1).
Genome position (GRCh38, 1-based): chr9:92,253,389, A>T on the plus strand (T>A on the coding strand, the complement: IARS1 is on the minus strand). VCF-style: chr9-92253389-A-T. GRCh37 (hg19) VCF-style: chr9-95015671-A-T.
Other names: c.2202T>A, p.Tyr734Ter (NM_001374299.1, NM_001374300.1, NM_001378584.1 and 12 more transcripts); c.2118T>A, p.Tyr706Ter (NM_001374301.1); c.2265T>A, p.Tyr755Ter (NM_001378569.1); c.2223T>A, p.Tyr741Ter (NM_001378571.1); c.2134-1504T>A (NM_001378582.1); c.2079T>A, p.Tyr693Ter (NM_001378583.1); short protein forms Y734*, Y741*, Y755*, Y693*, Y706*.
Identifiers: ClinVar variation 2028285 (VCV002028285.4), dbSNP rs1486035598, ClinGen allele CA373815618.